The following is an entry in ClinVar:

ClinVar aggregate classification (germline): Likely benign. Review status: criteria provided, single submitter (1 of 4 stars). 2 submissions from 2 submitters: Likely benign (1). 1 of the submissions does not count toward it. Last evaluated 2023-02-01.

Conditions:
EPHA3-related disorder. Also called: EPHA3-related condition.

Allele frequency attached by ClinVar (database versions not stated): 1000 Genomes Project 30x 0.00281; 1000 Genomes Project 0.00319; TOPMed 0.00325; gnomAD 0.00374; ESP Exome Variant Server 0.00446; ExAC 0.00586.
gnomAD v4.1: 7,860 of 1,609,542 alleles (0.49%); highest among the groups gnomAD compares: South Asian, 0.57%; 26 homozygotes.

Submissions (2):

CeGaT Center for Human Genetics Tuebingen
Classification: Likely benign. Last evaluated: 2023-02-01. Review status: criteria provided, single submitter. Criteria: CeGaT Center For Human Genetics Tuebingen Variant Classification Criteria Version 2. Collection method: clinical testing. Allele origin: germline. Affected: yes. Observed: 1 variant allele.
Comment: EPHA3: BP4, BP7, BS2

PreventionGenetics, part of Exact Sciences
Classification: Benign for EPHA3-related condition. Last evaluated: 2019-05-30. Review status: no assertion criteria provided. Collection method: clinical testing. Allele origin: germline. Not counted in ClinVar's aggregate classification.
Comment: This variant is classified as benign based on ACMG/AMP sequence variant interpretation guidelines (Richards et al. 2015 PMID: 25741868, with internal and published modifications).

NM_005233.6(EPHA3):c.1281G>A (p.Ala427=)

Gene: EPHA3 (EPH receptor A3; plus strand). Cytogenetic location: 3p11.1.
Variant type: single nucleotide variant.
Coding change: c.1281G>A on transcript NM_005233.6 (MANE Select); coding-DNA position 1281, G replaced by A.
Protein change: p.Ala427=; no amino-acid change (alanine 427 retained).
Molecular consequence: synonymous variant.
Genome position (GRCh38, 1-based): chr3:89,342,065, G>A. VCF-style: chr3-89342065-G-A. GRCh37 (hg19) VCF-style: chr3-89391215-G-A.
Other names: c.1281G>A, p.Ala427= (NM_001410778.1, NM_182644.3); c.1281G>A (NM_005233.5).
Identifiers: ClinVar variation 2653989 (VCV002653989.25), dbSNP rs56112995, ClinGen allele CA2502446.
Genomic context (GRCh38, chr3:89,342,065, plus strand): 5'-TGAGATTGATGCCGTTAATGGGGTGTCAGAGCTGAGCTCCCCACCAAGACAGTTTGCTGC[G>A]GTCAGCATCACAACTAATCAGGCTGGTGAGTACATACTAGATGCTTCTTACTCTTATCAT-3'
Protein context (NP_005224.2, residues 417-437): ELSSPPRQFA[Ala427=]VSITTNQAAP